The following is an entry in ClinVar:

ClinVar aggregate classification (germline): Likely benign. Review status: criteria provided, multiple submitters, no conflicts (2 of 4 stars). 2 submissions from 2 submitters: Likely benign (2). Last evaluated 2018-06-14.

Allele frequency attached by ClinVar (database versions not stated): 1000 Genomes Project 30x 0.00500; 1000 Genomes Project 0.00559; gnomAD 0.01017 and 0.01049; TOPMed 0.01114.
gnomAD v4.1: 21,256 of 1,482,562 alleles (1.4%); highest among the groups gnomAD compares: Non-Finnish European, 1.7%; 171 homozygotes.

Submissions (2):

GeneDx
Classification: Likely benign. Last evaluated: 2018-06-14. Review status: criteria provided, single submitter. Criteria: GeneDx Variant Classification (06012015). Collection method: clinical testing. Allele origin: germline. Affected: yes.
Comment: This variant is considered likely benign or benign based on one or more of the following criteria: it is a conservative change, it occurs at a poorly conserved position in the protein, it is predicted to be benign by multiple in silico algorithms, and/or has population frequency not consistent with disease.

Breakthrough Genomics
Classification: Likely benign. Review status: criteria provided, single submitter. Criteria: ACMG Guidelines, 2015. Collection method: not provided. Allele origin: germline. Inheritance: Autosomal dominant inheritance. Affected: yes.

NM_001040142.2(SCN2A):c.-51-61A>G

Gene: SCN2A (sodium voltage-gated channel alpha subunit 2; plus strand). Cytogenetic location: 2q24.3.
Variant type: single nucleotide variant.
Coding change: c.-51-61A>G on transcript NM_001040142.2 (MANE Select); 61 bases into the intron before 51 bases upstream of the start codon, A replaced by G.
Molecular consequence: intron variant.
Genome position (GRCh38, 1-based): chr2:165,295,712, A>G. VCF-style: chr2-165295712-A-G. GRCh37 (hg19) VCF-style: chr2-166152222-A-G.
Other names: c.-51-61A>G (NM_001040143.2, NM_001371246.1, NM_001371247.1 and 1 more transcripts).
Identifiers: ClinVar variation 670920 (VCV000670920.2), dbSNP rs13407286, ClinGen allele CA59719536.
Genomic context (GRCh38, chr2:165,295,712, plus strand): 5'-TTTGAAAATATTATAGCTATCTGAGTTTCTATGCTGTATCTCAGTGCTCAGTGTCATGTA[A>G]CTGACACAATCACCTTTTATTCTAATGGTCATTGCTTTTTTTCCCTCCCTGTTTCTGTAG-3'